The following is an entry in ClinVar:

NM_201384.3(PLEC):c.831G>A (p.Leu277=)

Gene: PLEC (plectin; minus strand). Cytogenetic location: 8q24.3.
Variant type: single nucleotide variant.
Coding change: c.831G>A on transcript NM_201384.3 (MANE Select); coding-DNA position 831, G replaced by A.
Protein change: p.Leu277=; no amino-acid change (leucine 277 retained).
Molecular consequence: synonymous variant.
Genome position (GRCh38, 1-based): chr8:143,934,924, C>T on the plus strand (G>A on the coding strand, the complement: PLEC is on the minus strand). VCF-style: chr8-143934924-C-T. GRCh37 (hg19) VCF-style: chr8-145009092-C-T.
Other names: c.912G>A, p.Leu304= (NM_000445.5); c.789G>A, p.Leu263= (NM_201378.4); c.765G>A, p.Leu255= (NM_201379.3); c.1242G>A, p.Leu414= (NM_201380.4); c.735G>A, p.Leu245= (NM_201381.3); c.831G>A, p.Leu277= (NM_201382.4); c.843G>A, p.Leu281= (NM_201383.3).
Identifiers: ClinVar variation 756979 (VCV000756979.16), dbSNP rs533254834, ClinGen allele CA4928277.
Genomic context (GRCh38, chr8:143,934,924, plus strand): 5'-GTGTCGCATCCACTGAAGCAGCAGCAGCACCAGCTCCCGGTACTCCTGCCAGCGCAGCTG[C>T]AGCTCCTGCGGGCAGGCACGGGCGGCTGTCAGGGGTCGTCGGGGCGTCCAGGCCCAAGCC-3'
Protein context (NP_958786.1, residues 267-287): DVQDGVRANE[Leu277=]QLRWQEYREL

ClinVar aggregate classification (germline): Likely benign. Review status: criteria provided, multiple submitters, no conflicts (2 of 4 stars). 3 submissions from 3 submitters: Likely benign (3). Last evaluated 2025-11-01.

Conditions:
PLEC-related disorder. Also called: PLEC-related condition; PLEC-related disorders.
Epidermolysis bullosa simplex, Ogna type (EBS5A). Also called: Pidermolysis bullosa simplex 5A, Ogna type; EPIDERMOLYSIS BULLOSA SIMPLEX 5A, OGNA TYPE. Identifiers: Orphanet 79401, MedGen C0432317, MONDO:0007555, OMIM 131950.
Autosomal recessive limb-girdle muscular dystrophy type 2Q (LGMDR17). Also called: MUSCULAR DYSTROPHY, LIMB-GIRDLE, AUTOSOMAL RECESSIVE 17. Identifiers: Orphanet 254361, MedGen C3150989, MONDO:0013390, OMIM 613723.
Epidermolysis bullosa simplex with nail dystrophy (EBS5D). Identifiers: MedGen C4225309, MONDO:0014661, OMIM 616487.
Epidermolysis bullosa simplex 5B, with muscular dystrophy (EBS5B). Also called: EPIDERMOLYSIS BULLOSA SIMPLEX AND LIMB-GIRDLE MUSCULAR DYSTROPHY; Epidermolysis bullosa simplex with muscular dystrophy. Identifiers: Orphanet 257, MedGen C2931072, MONDO:0009181, OMIM 226670.
Epidermolysis bullosa simplex 5C, with pyloric atresia (EBS5C). Also called: PLEC1-Related Epidermolysis Bullosa with Pyloric Atresia; PLEC-Related Epidermolysis Bullosa with Pyloric Atresia; Epidermolysis bullosa simplex with pyloric atresia. Identifiers: Orphanet 158684, MedGen C2677349, MONDO:0012807, OMIM 612138.

Allele frequency attached by ClinVar (database versions not stated): gnomAD below 0.00001 and 0.00005; gnomAD exomes 0.00016 and 0.00027; 1000 Genomes Project 30x 0.00031; ExAC 0.00036; 1000 Genomes Project 0.00040.
gnomAD v4.1: 228 of 1,611,244 alleles (0.014%); highest among the groups gnomAD compares: South Asian, 0.25%; 4 homozygotes.

Submissions (3):

CeGaT Center for Human Genetics Tuebingen
Classification: Likely benign. Last evaluated: 2025-11-01. Review status: criteria provided, single submitter. Criteria: CeGaT Center For Human Genetics Tuebingen Variant Classification Criteria Version 2. Collection method: clinical testing. Allele origin: germline. Affected: yes. Observed: 1 variant allele.
Comment: PLEC: BP4, BP7

PreventionGenetics, part of Exact Sciences
Classification: Likely benign for PLEC-related condition. Last evaluated: 2025-01-22. Review status: criteria provided, single submitter. Criteria: ACMG Guidelines, 2015. Collection method: clinical testing. Allele origin: germline.
Comment: This variant is classified as likely benign based on ACMG/AMP sequence variant interpretation guidelines (Richards et al. 2015 PMID: 25741868, with internal and published modifications).

Labcorp Genetics (formerly Invitae), Labcorp
Classification: Likely benign for Autosomal recessive limb-girdle muscular dystrophy type 2Q; Epidermolysis bullosa simplex, Ogna type; Epidermolysis bullosa simplex with nail dystrophy; Epidermolysis bullosa simplex 5C, with pyloric atresia; Epidermolysis bullosa simplex 5B, with muscular dystrophy. Last evaluated: 2025-01-20. Review status: criteria provided, single submitter. Criteria: Invitae Variant Classification Sherloc (09022015). Collection method: clinical testing. Allele origin: germline.